The following is an entry in ClinVar:

ClinVar aggregate classification (germline): Pathogenic (1 of 4 stars; one submission).

Conditions:
Early-infantile DEE. Also called: Early infantile epileptic encephalopathy; Early infantile epileptic encephalopathy with suppression bursts; Ohtahara syndrome. Identifiers: Orphanet 1934, MedGen C0393706, MONDO:0800491.

Submission:

Labcorp Genetics (formerly Invitae), Labcorp
Classification: Pathogenic for Early-infantile DEE. Last evaluated: 2024-08-12. Review status: criteria provided, single submitter. Criteria: Invitae Variant Classification Sherloc (09022015). Collection method: clinical testing. Allele origin: germline.
Comment: This sequence change creates a premature translational stop signal (p.Lys219Glufs*44) in the KCNQ2 gene. It is expected to result in an absent or disrupted protein product. Loss-of-function variants in KCNQ2 are known to be pathogenic (PMID: 14534157, 23692823, 27779742). This variant is not present in population databases (gnomAD no frequency). This variant has not been reported in the literature in individuals affected with KCNQ2-related conditions. For these reasons, this variant has been classified as Pathogenic.

Literature cited by the submitters: PubMed 14534157; PubMed 23692823; PubMed 27779742.

NM_172107.4(KCNQ2):c.654dup (p.Lys219fs)

Gene: KCNQ2 (potassium voltage-gated channel subfamily Q member 2; minus strand). Cytogenetic location: 20q13.33.
Variant type: Duplication.
Coding change: c.654dup on transcript NM_172107.4 (MANE Select); coding-DNA position 654, one base duplicated (G; older notation c.654dupG).
Protein change: p.Lys219fs; shifts the reading frame from lysine 219.
Molecular consequence: frameshift variant.
Genome position (GRCh38, 1-based): chr20:63,444,695, C duplicated on the plus strand (G on the coding strand, the reverse complement: KCNQ2 is on the minus strand); the first of 2 consecutive C bases (chr20:63,444,695-63,444,696); duplicating either gives the same sequence. VCF-style (leftmost placement, unchanged base first): chr20-63444694-T-TC. GRCh37 (hg19) VCF-style: chr20-62076047-T-TC.
Other names: c.654dup, p.Lys219fs (NM_001382235.1, NM_004518.6, NM_172106.3 and 2 more transcripts); short protein forms K219fs.
Identifiers: ClinVar variation 2836366 (VCV002836366.3), dbSNP rs2516502104, ClinGen allele CA2739277238.